The following is an entry in ClinVar:

ClinVar aggregate classification (germline): Conflicting classifications of pathogenicity. Review status: criteria provided, conflicting classifications (1 of 4 stars). 4 submissions from 4 submitters: Likely pathogenic (2); Uncertain significance (2). Last evaluated 2025-01-28.

Conditions:
Primary hyperoxaluria, type I (HP1). Also called: GLYCOLIC ACIDURIA; HEPATIC AGT DEFICIENCY; OXALOSIS I; Primary hyperoxaluria type 1. Identifiers: Orphanet 416, Orphanet 93598, MedGen C0268164, MONDO:0009823, OMIM 259900. Disease mechanism: loss of function.

Allele frequency attached by ClinVar (database versions not stated): gnomAD 0.00001; gnomAD exomes 0.00001; TOPMed 0.00002.
gnomAD v4.1: 28 of 1,613,476 alleles (0.0017%); highest among the groups gnomAD compares: South Asian, 0.0088%; no homozygotes.

Submissions (4):

Labcorp Genetics (formerly Invitae), Labcorp
Classification: Likely pathogenic. Last evaluated: 2025-01-28. Review status: criteria provided, single submitter. Criteria: Invitae Variant Classification Sherloc (09022015). Collection method: clinical testing. Allele origin: germline.
Comment: This sequence change replaces aspartic acid, which is acidic and polar, with asparagine, which is neutral and polar, at codon 201 of the AGXT protein (p.Asp201Asn). This variant is present in population databases (no rsID available, gnomAD 0.0009%). This variant has not been reported in the literature in individuals affected with AGXT-related conditions. ClinVar contains an entry for this variant (Variation ID: 335297). Invitae Evidence Modeling of protein sequence and biophysical properties (such as structural, functional, and spatial information, amino acid conservation, physicochemical variation, residue mobility, and thermodynamic stability) indicates that this missense variant is expected to disrupt AGXT protein function with a positive predictive value of 80%. This variant disrupts the p.Asp201 amino acid residue in AGXT. Other variant(s) that disrupt this residue have been determined to be pathogenic (PMID: 15849466, 17460142, 22781098, 24718375, 25629080). This suggests that this residue is clinically significant, and that variants that disrupt this residue are likely to be disease-causing. In summary, the currently available evidence indicates that the variant is pathogenic, but additional data are needed to prove that conclusively. Therefore, this variant has been classified as Likely Pathogenic.

Clinical Biochemistry Laboratory, Health Services Laboratory
Classification: Likely pathogenic for Primary hyperoxaluria, type I. Last evaluated: 2023-10-27. Review status: criteria provided, single submitter. Criteria: ACMG Guidelines, 2015. Collection method: curation. Allele origin: germline. Affected: yes.
Comment: Affects same amino acid as previously documented pathogenic change, Asp201Glu. ACMG: PM1 PM2 PM5 PP3.

Fulgent Genetics
Classification: Uncertain significance for Primary hyperoxaluria, type I. Last evaluated: 2021-12-17. Review status: criteria provided, single submitter. Criteria: ACMG Guidelines, 2015. Collection method: clinical testing. Allele origin: unknown.

Illumina Laboratory Services, Illumina
Classification: Uncertain significance for Primary hyperoxaluria, type I. Last evaluated: 2018-01-13. Review status: criteria provided, single submitter. Criteria: ICSL Variant Classification Criteria 13 December 2019. Collection method: clinical testing. Allele origin: germline.

Literature cited by the submitters: PubMed 15849466 (cited by Labcorp Genetics (formerly Invitae), Labcorp); PubMed 17460142 (cited by Labcorp Genetics (formerly Invitae), Labcorp); PubMed 22781098 (cited by Labcorp Genetics (formerly Invitae), Labcorp); PubMed 24718375 (cited by Labcorp Genetics (formerly Invitae), Labcorp); PubMed 25629080 (cited by Labcorp Genetics (formerly Invitae), Labcorp).

NM_000030.3(AGXT):c.601G>A (p.Asp201Asn)

Gene: AGXT (alanine--glyoxylate aminotransferase; plus strand). Cytogenetic location: 2q37.3.
Variant type: single nucleotide variant.
Coding change: c.601G>A on transcript NM_000030.3 (MANE Select); coding-DNA position 601, G replaced by A.
Protein change: p.Asp201Asn; replaces aspartic acid 201 with asparagine.
Molecular consequence: missense variant.
Genome position (GRCh38, 1-based): chr2:240,873,983, G>A. VCF-style: chr2-240873983-G-A. GRCh37 (hg19) VCF-style: chr2-241813400-G-A.
Other names: short protein forms D201N.
Identifiers: ClinVar variation 335297 (VCV000335297.11), dbSNP rs886055840, ClinGen allele CA10612912.